The following is an entry in ClinVar:

NM_001099403.2(PRDM8):c.1474G>A (p.Ala492Thr)

Genes: PRDM8 (PR/SET domain 8; plus strand), LOC129992745 (ATAC-STARR-seq lymphoblastoid silent region 15522; plus strand). Cytogenetic location: 4q21.21.
Variant type: single nucleotide variant.
Coding change: c.1474G>A on transcript NM_001099403.2 (MANE Select); coding-DNA position 1474, G replaced by A.
Protein change: p.Ala492Thr; replaces alanine 492 with threonine.
Molecular consequence: missense variant.
Genome position (GRCh38, 1-based): chr4:80,202,936, G>A. VCF-style: chr4-80202936-G-A. GRCh37 (hg19) VCF-style: chr4-81124090-G-A.
Other names: c.1474G>A, p.Ala492Thr (NM_020226.4); short protein forms A492T.
Identifiers: ClinVar variation 581117 (VCV000581117.7), dbSNP rs1560479219, ClinGen allele CA357400922.

ClinVar aggregate classification (germline): Uncertain significance (1 of 4 stars; one submission).

Conditions:
Early-onset Lafora body disease. Also called: Epilepsy, progressive myoclonic, 10. Identifiers: Orphanet 324290, MedGen C4225258, MONDO:0014717, OMIM 616640.

Submission:

Labcorp Genetics (formerly Invitae), Labcorp
Classification: Uncertain significance for Early-onset Lafora body disease. Last evaluated: 2021-11-19. Review status: criteria provided, single submitter. Criteria: Invitae Variant Classification Sherloc (09022015). Collection method: clinical testing. Allele origin: germline.
Comment: In summary, the available evidence is currently insufficient to determine the role of this variant in disease. Therefore, it has been classified as a Variant of Uncertain Significance. Algorithms developed to predict the effect of missense changes on protein structure and function output the following: SIFT: "Deleterious"; PolyPhen-2: "Benign"; Align-GVGD: "Class C0". The threonine amino acid residue is found in multiple mammalian species, which suggests that this missense change does not adversely affect protein function. ClinVar contains an entry for this variant (Variation ID: 581117). This variant has not been reported in the literature in individuals affected with PRDM8-related conditions. This variant is not present in population databases (gnomAD no frequency). This sequence change replaces alanine, which is neutral and non-polar, with threonine, which is neutral and polar, at codon 492 of the PRDM8 protein (p.Ala492Thr).